The following is an entry in ClinVar:

ClinVar aggregate classification (germline): Uncertain significance (1 of 4 stars; one submission).

Conditions:
Hermansky-Pudlak syndrome 2 (HPS2). Also called: Platelet defects and oculocutaneous albinism. Identifiers: Orphanet 183678, Orphanet 79430, MedGen C1842362, MONDO:0011997, OMIM 608233.

Submission:

Labcorp Genetics (formerly Invitae), Labcorp
Classification: Uncertain significance for Hermansky-Pudlak syndrome 2. Last evaluated: 2019-09-11. Review status: criteria provided, single submitter. Criteria: Invitae Variant Classification Sherloc (09022015). Collection method: clinical testing. Allele origin: germline.
Comment: In summary, the available evidence is currently insufficient to determine the role of this variant in disease. Therefore, it has been classified as a Variant of Uncertain Significance. Experimental studies and prediction algorithms are not available or were not evaluated for this variant, and the functional significance of this variant is currently unknown. This variant has not been reported in the literature in individuals with AP3B1-related conditions. This variant is an in-frame deletion of the genomic region encompassing exons 22-25 of the AP3B1 gene. It preserves the integrity of the reading frame.

NC_000005.10:g.(?_78020672)_(78089519_?)del

Gene: AP3B1 (adaptor related protein complex 3 subunit beta 1; minus strand). Cytogenetic location: 5q14.1.
Variant type: Deletion.
Identifiers: ClinVar variation 832112 (VCV000832112.6).